The following is an entry in ClinVar:

NM_005751.5(AKAP9):c.2948_2952del (p.Leu983fs)

Gene: AKAP9 (A-kinase anchoring protein 9; plus strand). Cytogenetic location: 7q21.2.
Variant type: Deletion.
Coding change: c.2948_2952del on transcript NM_005751.5 (MANE Select); coding-DNA positions 2948 to 2952, 5 bases deleted (TAAAG; older notation c.2948_2952delTAAAG).
Protein change: p.Leu983fs; shifts the reading frame from leucine 983.
Molecular consequence: frameshift variant.
Genome position (GRCh38, 1-based): chr7:92,002,865-92,002,869, TAAAG deleted. VCF-style (leftmost placement, unchanged base first): chr7-92002864-TTAAAG-T. GRCh37 (hg19) VCF-style: chr7-91632178-TTAAAG-T.
Other names: c.2948_2952del, p.Leu983fs (NM_147185.3); short protein forms L983fs.
Identifiers: ClinVar variation 1023470 (VCV001023470.6), dbSNP rs1799337589, ClinGen allele CA1725683836.
Genomic context (GRCh38, chr7:92,002,864, plus strand): 5'-TCTGAACAATTGAAACAGAAACATGGTGAGATTAGTTTTCTAAATGAAGAAGTTAAATCT[TTAAAG>T]CAAGAGAAAGAACAAGTTTCATTGAGATGTAGAGAGCTAGAAATCATTATTAACCACAAC-3'

ClinVar aggregate classification (germline): Uncertain significance (1 of 4 stars; one submission).

Conditions:
Long QT syndrome (LQTS). Identifiers: MedGen C0023976, MeSH D008133, MONDO:0002442. Disease mechanism: loss of function. Inheritance: Various modes of inheritance.

Submission:

Labcorp Genetics (formerly Invitae), Labcorp
Classification: Uncertain significance for Long QT syndrome. Last evaluated: 2020-04-09. Review status: criteria provided, single submitter. Criteria: Invitae Variant Classification Sherloc (09022015). Collection method: clinical testing. Allele origin: germline.
Comment: In summary, the available evidence is currently insufficient to determine the role of this variant in disease. Therefore, it has been classified as a Variant of Uncertain Significance. The current clinical and genetic evidence is not sufficient to establish whether loss-of-function variants in AKAP9 cause disease. This variant has not been reported in the literature in individuals with AKAP9-related conditions. This variant is not present in population databases (ExAC no frequency). This sequence change creates a premature translational stop signal (p.Leu983Serfs*11) in the AKAP9 gene. It is expected to result in an absent or disrupted protein product.